The following is an entry in ClinVar:

ClinVar aggregate classification (germline): Pathogenic. Review status: criteria provided, multiple submitters, no conflicts (2 of 4 stars). 2 submissions from 2 submitters: Pathogenic (2). Last evaluated 2025-12-01.

Submissions (2):

CeGaT Center for Human Genetics Tuebingen
Classification: Pathogenic. Last evaluated: 2025-12-01. Review status: criteria provided, single submitter. Criteria: CeGaT Center For Human Genetics Tuebingen Variant Classification Criteria Version 2. Collection method: clinical testing. Allele origin: germline. Affected: yes. Observed: 1 variant allele.
Comment: MESD: PVS1, PM2

Labcorp Genetics (formerly Invitae), Labcorp
Classification: Pathogenic. Last evaluated: 2023-10-03. Review status: criteria provided, single submitter. Criteria: Invitae Variant Classification Sherloc (09022015). Collection method: clinical testing. Allele origin: germline.
Comment: This sequence change creates a premature translational stop signal (p.Pro28Thrfs*33) in the MESDC2 gene. It is expected to result in an absent or disrupted protein product. Loss-of-function variants in MESDC2 are known to be pathogenic (PMID: 33596325, 31564437). This variant is present in population databases (no rsID available, gnomAD 0.007%). This variant has not been reported in the literature in individuals affected with MESDC2-related conditions. ClinVar contains an entry for this variant (Variation ID: 2123924). For these reasons, this variant has been classified as Pathogenic.

Literature cited by the submitters: PubMed 33596325 (cited by Labcorp Genetics (formerly Invitae), Labcorp); PubMed 31564437 (cited by Labcorp Genetics (formerly Invitae), Labcorp).

NM_015154.3(MESD):c.80dup (p.Pro28fs)

Genes: MESD (mesoderm development LRP chaperone; minus strand), LOC121530597 (Sharpr-MPRA regulatory region 7880; plus strand). Cytogenetic location: 15q25.1.
Variant type: Duplication.
Coding change: c.80dup on transcript NM_015154.3 (MANE Select); coding-DNA position 80, one base duplicated (C; older notation c.80dupC).
Protein change: p.Pro28fs; shifts the reading frame from proline 28.
Molecular consequence: frameshift variant. On other transcripts: non-coding transcript variant (2).
Genome position (GRCh38, 1-based): chr15:80,989,712, G duplicated on the plus strand (C on the coding strand, the reverse complement: MESD is on the minus strand); the first of 2 consecutive G bases (chr15:80,989,712-80,989,713); duplicating either gives the same sequence. VCF-style (leftmost placement, unchanged base first): chr15-80989711-T-TG. GRCh37 (hg19) VCF-style: chr15-81282052-T-TG.
Other names: short protein forms P28fs.
Identifiers: ClinVar variation 2123924 (VCV002123924.28), dbSNP rs1406026055, ClinGen allele CA619408016.